The following is an entry in ClinVar:

NM_000135.4(FANCA):c.908G>A (p.Ser303Asn)

Gene: FANCA (FA complementation group A; minus strand). Cytogenetic location: 16q24.3.
Variant type: single nucleotide variant.
Coding change: c.908G>A on transcript NM_000135.4 (MANE Select); coding-DNA position 908, G replaced by A.
Protein change: p.Ser303Asn; replaces serine 303 with asparagine.
Molecular consequence: missense variant.
Genome position (GRCh38, 1-based): chr16:89,796,004, C>T on the plus strand (G>A on the coding strand, the complement: FANCA is on the minus strand). VCF-style: chr16-89796004-C-T. GRCh37 (hg19) VCF-style: chr16-89862412-C-T.
Other names: c.908G>A (LRG_495t1); c.908G>A, p.Ser303Asn (NM_001286167.3); short protein forms S303N.
Identifiers: ClinVar variation 408179 (VCV000408179.12), dbSNP rs1060501877, ClinGen allele CA16615030.

ClinVar aggregate classification (germline): Uncertain significance. Review status: criteria provided, multiple submitters, no conflicts (2 of 4 stars). 3 submissions from 3 submitters: Uncertain significance (2). 1 of the submissions does not count toward it. Last evaluated 2025-11-11.

Conditions:
Fanconi anemia (FA). Also called: Fanconi's anemia. Identifiers: Orphanet 84, MedGen C0015625, MeSH D005199, MONDO:0019391.
Fanconi anemia complementation group A (FANCA). Also called: FANCA-Related Fanconi Anemia; Fanconi anemia, group A. Identifiers: Orphanet 84, MedGen C3469521, MONDO:0009215, OMIM 227650.

Allele frequency attached by ClinVar (database versions not stated): gnomAD exomes below 0.00001; gnomAD 0.00001.
gnomAD v4.1: 2 of 1,613,932 alleles (0.00012%); highest among the groups gnomAD compares: Admixed American, 0.0017%; no homozygotes.

Submissions (3):

Labcorp Genetics (formerly Invitae), Labcorp
Classification: Uncertain significance for Fanconi anemia. Last evaluated: 2025-11-11. Review status: criteria provided, single submitter. Criteria: Invitae Variant Classification Sherloc (09022015). Collection method: clinical testing. Allele origin: germline.
Comment: This sequence change replaces serine, which is neutral and polar, with asparagine, which is neutral and polar, at codon 303 of the FANCA protein (p.Ser303Asn). This variant is present in population databases (no rsID available, gnomAD 0.1%). This variant has not been reported in the literature in individuals affected with FANCA-related conditions. ClinVar contains an entry for this variant (Variation ID: 408179). Invitae Evidence Modeling of protein sequence and biophysical properties (such as structural, functional, and spatial information, amino acid conservation, physicochemical variation, residue mobility, and thermodynamic stability) indicates that this missense variant is not expected to disrupt FANCA protein function with a negative predictive value of 95%. In summary, the available evidence is currently insufficient to determine the role of this variant in disease. Therefore, it has been classified as a Variant of Uncertain Significance.

Fulgent Genetics
Classification: Uncertain significance for Fanconi anemia complementation group A. Last evaluated: 2021-09-08. Review status: criteria provided, single submitter. Criteria: ACMG Guidelines, 2015. Collection method: clinical testing. Allele origin: unknown.

Natera, Inc.
Classification: Uncertain significance for Fanconi anemia. Last evaluated: 2020-12-10. Review status: no assertion criteria provided. Collection method: clinical testing. Allele origin: germline. Not counted in ClinVar's aggregate classification.